The following is an entry in ClinVar:

NM_001363711.2(DUOX2):c.2647A>C (p.Met883Leu)

Gene: DUOX2 (dual oxidase 2; minus strand). Cytogenetic location: 15q21.1.
Variant type: single nucleotide variant.
Coding change: c.2647A>C on transcript NM_001363711.2 (MANE Select); coding-DNA position 2647, A replaced by C.
Protein change: p.Met883Leu; replaces methionine 883 with leucine.
Molecular consequence: missense variant.
Genome position (GRCh38, 1-based): chr15:45,103,967, T>G on the plus strand (A>C on the coding strand, the complement: DUOX2 is on the minus strand). VCF-style: chr15-45103967-T-G. GRCh37 (hg19) VCF-style: chr15-45396165-T-G.
Other names: c.2647A>C, p.Met883Leu (NM_014080.5); short protein forms M883L.
Identifiers: ClinVar variation 3615915 (VCV003615915.2).
Genomic context (GRCh38, chr15:45,103,967, plus strand): 5'-TCCTGTTTGAAACACACCAGGAAGTCTCAGGATTAGAAAGGCACACCCCATACCGCATCA[T>G]GGTGAAGAATTCGTCCTTGGAGAGGAAGCCATTCTCATCCAGGTCATACATGGTAAACAT-3'
Protein context (NP_001350640.1, residues 873-893): GFLSKDEFFT[Met883Leu]MRSFIEISNN

ClinVar aggregate classification (germline): Uncertain significance (1 of 4 stars; one submission).

Submission:

Labcorp Genetics (formerly Invitae), Labcorp
Classification: Uncertain significance. Last evaluated: 2024-03-13. Review status: criteria provided, single submitter. Criteria: Invitae Variant Classification Sherloc (09022015). Collection method: clinical testing. Allele origin: germline.
Comment: This sequence change replaces methionine, which is neutral and non-polar, with leucine, which is neutral and non-polar, at codon 883 of the DUOX2 protein (p.Met883Leu). This variant is not present in population databases (gnomAD no frequency). This variant has not been reported in the literature in individuals affected with DUOX2-related conditions. Advanced modeling of protein sequence and biophysical properties (such as structural, functional, and spatial information, amino acid conservation, physicochemical variation, residue mobility, and thermodynamic stability) performed at Invitae indicates that this missense variant is not expected to disrupt DUOX2 protein function with a negative predictive value of 80%. In summary, the available evidence is currently insufficient to determine the role of this variant in disease. Therefore, it has been classified as a Variant of Uncertain Significance.